The following is an entry in ClinVar:

NM_001367805.3(KIF23):c.542A>G (p.Asn181Ser)

Gene: KIF23 (kinesin family member 23; plus strand). Cytogenetic location: 15q23.
Variant type: single nucleotide variant.
Coding change: c.542A>G on transcript NM_001367805.3 (MANE Select); coding-DNA position 542, A replaced by G.
Protein change: p.Asn181Ser; replaces asparagine 181 with serine.
Molecular consequence: missense variant. On other transcripts: non-coding transcript variant (2).
Genome position (GRCh38, 1-based): chr15:69,422,414, A>G. VCF-style: chr15-69422414-A-G. GRCh37 (hg19) VCF-style: chr15-69714753-A-G.
Other names: c.212A>G, p.Asn71Ser (NM_001281301.2); c.542A>G, p.Asn181Ser (NM_001367804.2, NM_004856.7, NM_138555.4); short protein forms N181S, N71S.
Identifiers: ClinVar variation 4699841 (VCV004699841.1).
Genomic context (GRCh38, chr15:69,422,414, plus strand): 5'-TGGATATACAGTGTGAGGTTGATGCCTTATTAGAACGTCAGAAAAGAGAAGCTATGCCCA[A>G]TCCAAAGACTTCTTCTAGCAAGTAAGTAATTATATTTGTCTGCAGCACTGGCCTAGGGGC-3'
Protein context (NP_001354734.1, residues 171-191): LERQKREAMP[Asn181Ser]PKTSSSKRQV

ClinVar aggregate classification (germline): Uncertain significance (1 of 4 stars; one submission).

gnomAD v4.1: 2 of 1,596,588 alleles (0.00013%); highest among the groups gnomAD compares: Non-Finnish European, 0.00017%; no homozygotes.

Submission:

Labcorp Genetics (formerly Invitae), Labcorp
Classification: Uncertain significance. Last evaluated: 2025-06-05. Review status: criteria provided, single submitter. Criteria: Invitae Variant Classification Sherloc (09022015). Collection method: clinical testing. Allele origin: germline.
Comment: This sequence change replaces asparagine, which is neutral and polar, with serine, which is neutral and polar, at codon 181 of the KIF23 protein (p.Asn181Ser). This variant is present in population databases (rs749367753, gnomAD 0.002%). This variant has not been reported in the literature in individuals affected with KIF23-related conditions. An algorithm developed to predict the effect of missense changes on protein structure and function (PolyPhen-2) suggests that this variant is likely to be tolerated. In summary, the available evidence is currently insufficient to determine the role of this variant in disease. Therefore, it has been classified as a Variant of Uncertain Significance.